The following is an entry in ClinVar:

NM_001035.3(RYR2):c.5409T>A (p.Ser1803Arg)

Gene: RYR2 (ryanodine receptor 2; plus strand). Cytogenetic location: 1q43.
Variant type: single nucleotide variant.
Coding change: c.5409T>A on transcript NM_001035.3 (MANE Select); coding-DNA position 5409, T replaced by A.
Protein change: p.Ser1803Arg; replaces serine 1803 with arginine.
Molecular consequence: missense variant.
Genome position (GRCh38, 1-based): chr1:237,614,537, T>A. VCF-style: chr1-237614537-T-A. GRCh37 (hg19) VCF-style: chr1-237777837-T-A.
Other names: short protein forms S1803R.
Identifiers: ClinVar variation 4083344 (VCV004083344.1).

ClinVar aggregate classification (germline): Uncertain significance (1 of 4 stars; one submission).

Submission:

GeneDx
Classification: Uncertain significance. Last evaluated: 2025-03-14. Review status: criteria provided, single submitter. Criteria: GeneDx Variant Classification Process June 2021. Collection method: clinical testing. Allele origin: germline. Affected: yes.
Comment: Not observed at significant frequency in large population cohorts (gnomAD); In silico analysis supports that this missense variant has a deleterious effect on protein structure/function; Has not been previously published as pathogenic or benign to our knowledge; Not located in one of the three hot-spot regions of the RYR2 gene, where the majority of pathogenic missense variants occur (PMID: 19926015); This variant is associated with the following publications: (PMID: 19926015)